The following is an entry in ClinVar:

ClinVar aggregate classification (germline): Uncertain significance (1 of 4 stars; one submission).

Conditions:
Cardiovascular phenotype. Identifiers: MedGen CN230736.

Submission:

Ambry Genetics
Classification: Uncertain significance for Cardiovascular phenotype. Last evaluated: 2026-08-29. Review status: criteria provided, single submitter. Criteria: Ambry Variant Classification Scheme 2023. Collection method: clinical testing. Allele origin: germline.
Comment: The p.C442G variant (also known as c.1324T>G), located in coding exon 11 of the ENG gene, results from a T to G substitution at nucleotide position 1324. The cysteine at codon 442 is replaced by glycine, an amino acid with highly dissimilar properties. This amino acid position is conserved. In addition, this alteration is predicted to be deleterious by in silico analysis. Based on the available evidence, the clinical significance of this variant remains unclear.

NM_001114753.3(ENG):c.1324T>G (p.Cys442Gly)

Genes: ENG (endoglin; minus strand), LOC102723566 (uncharacterized LOC102723566; plus strand). Cytogenetic location: 9q34.11.
Variant type: single nucleotide variant.
Coding change: c.1324T>G on transcript NM_001114753.3 (MANE Select); coding-DNA position 1324, T replaced by G.
Protein change: p.Cys442Gly; replaces cysteine 442 with glycine.
Molecular consequence: missense variant.
Genome position (GRCh38, 1-based): chr9:127,818,820, A>C on the plus strand (T>G on the coding strand, the complement: ENG is on the minus strand). VCF-style: chr9-127818820-A-C. GRCh37 (hg19) VCF-style: chr9-130581099-A-C.
Other names: c.1324T>G, p.Cys442Gly (NM_000118.4); c.778T>G, p.Cys260Gly (NM_001278138.2); short protein forms C442G, C260G.
Identifiers: ClinVar variation 5035992 (VCV005035992.1).